The following is an entry in ClinVar:

ClinVar aggregate classification (germline): Uncertain significance. Review status: criteria provided, multiple submitters, no conflicts (2 of 4 stars). 2 submissions from 2 submitters: Uncertain significance (2). Last evaluated 2025-07-15.

Conditions:
Inborn genetic diseases. Identifiers: MedGen C0950123, MeSH D030342.

Allele frequency attached by ClinVar (database versions not stated): gnomAD exomes below 0.00001; TOPMed 0.00001.
gnomAD v4.1: 1 of 1,614,052 alleles (0.000062%); highest among the groups gnomAD compares: Non-Finnish European, 0.000085%; no homozygotes.

Submissions (2):

Labcorp Genetics (formerly Invitae), Labcorp
Classification: Uncertain significance. Last evaluated: 2025-07-15. Review status: criteria provided, single submitter. Criteria: Invitae Variant Classification Sherloc (09022015). Collection method: clinical testing. Allele origin: germline.
Comment: This sequence change replaces glutamic acid, which is acidic and polar, with glycine, which is neutral and non-polar, at codon 1448 of the ATR protein (p.Glu1448Gly). This variant is not present in population databases (gnomAD no frequency). This variant has not been reported in the literature in individuals affected with ATR-related conditions. ClinVar contains an entry for this variant (Variation ID: 1739870). An algorithm developed to predict the effect of missense changes on protein structure and function (PolyPhen-2) suggests that this variant is likely to be disruptive. In summary, the available evidence is currently insufficient to determine the role of this variant in disease. Therefore, it has been classified as a Variant of Uncertain Significance.

Ambry Genetics
Classification: Uncertain significance for Inborn genetic diseases. Last evaluated: 2022-01-08. Review status: criteria provided, single submitter. Criteria: Ambry Variant Classification Scheme 2023. Collection method: clinical testing. Allele origin: germline.
Comment: The p.E1448G variant (also known as c.4343A>G), located in coding exon 24 of the ATR gene, results from an A to G substitution at nucleotide position 4343. The glutamic acid at codon 1448 is replaced by glycine, an amino acid with similar properties. This amino acid position is conserved. In addition, this alteration is predicted to be tolerated by in silico analysis. Since supporting evidence is limited at this time, the clinical significance of this alteration remains unclear.

NM_001184.4(ATR):c.4343A>G (p.Glu1448Gly)

Gene: ATR (ATR checkpoint kinase; minus strand). Cytogenetic location: 3q23.
Variant type: single nucleotide variant.
Coding change: c.4343A>G on transcript NM_001184.4 (MANE Select); coding-DNA position 4343, A replaced by G.
Protein change: p.Glu1448Gly; replaces glutamic acid 1448 with glycine.
Molecular consequence: missense variant.
Genome position (GRCh38, 1-based): chr3:142,519,708, T>C on the plus strand (A>G on the coding strand, the complement: ATR is on the minus strand). VCF-style: chr3-142519708-T-C. GRCh37 (hg19) VCF-style: chr3-142238550-T-C.
Other names: c.4151A>G, p.Glu1384Gly (NM_001354579.2); short protein forms E1384G, E1448G.
Identifiers: ClinVar variation 1739870 (VCV001739870.5), dbSNP rs2033060451, ClinGen allele CA354800193.